The following is an entry in ClinVar:

ClinVar aggregate classification (germline): Likely pathogenic (1 of 4 stars; one submission).

Conditions:
Lissencephaly 8 (LIS8). Identifiers: MedGen C4310646, MONDO:0014992, OMIM 617255.

Submission:

Women's Health and Genetics/Laboratory Corporation of America, LabCorp
Classification: Likely pathogenic for Lissencephaly 8. Last evaluated: 2026-04-15. Review status: criteria provided, single submitter. Criteria: LabCorp Variant Classification Summary - May 2015. Collection method: clinical testing. Allele origin: germline.
Comment: Variant summary: TMTC3 c.2338_2341delGTTT (p.Val780IlefsX8) results in a premature termination codon in the last exon and is predicted to cause a truncation of the encoded protein, however, nonsense mediated decay is not expected to occur. The variant was absent in 250356 control chromosomes. To our knowledge, no occurrence of c.2338_2341delGTTT in individuals affected with TMTC3-related conditions and no experimental evidence demonstrating its impact on protein function have been reported. At least one downstream variant has been classified as likely pathogenic (c.2616_2619del, p.Lys872AsnfsX2), providing evidence that the region altered by the variant is critical to protein function. No submitters have cited clinical-significance assessments for this variant to ClinVar. Based on the evidence outlined above, the variant was classified as likely pathogenic.

NM_181783.4(TMTC3):c.2338_2341del (p.Val780fs)

Gene: TMTC3 (transmembrane O-mannosyltransferase targeting cadherins 3; plus strand). Cytogenetic location: 12q21.32.
Variant type: Deletion.
Coding change: c.2338_2341del on transcript NM_181783.4 (MANE Select); coding-DNA positions 2338 to 2341, 4 bases deleted (GTTT; older notation c.2338_2341delGTTT).
Protein change: p.Val780fs; shifts the reading frame from valine 780.
Molecular consequence: frameshift variant. On other transcripts: non-coding transcript variant (1).
Genome position (GRCh38, 1-based): chr12:88,195,242-88,195,245, GTTT deleted; deleting any 4 consecutive bases within chr12:88,195,240-88,195,245 gives the same sequence; the c. name uses the placement nearest the transcript's 3' end. VCF-style (leftmost placement, unchanged base first): chr12-88195239-GTTGT-G. GRCh37 (hg19) VCF-style: chr12-88589016-GTTGT-G.
Other names: c.2158_2161del, p.Val720fs (NM_001366574.1); c.2119_2122del, p.Val707fs (NM_001366579.1); c.2071_2074del, p.Val691fs (NM_001366580.1); c.1645_1648del, p.Val549fs (NM_001366583.1); c.2338_2341delGTTT (NM_181783.4); short protein forms V549fs, V691fs, V707fs, V720fs, V780fs.
Identifiers: ClinVar variation 4848517 (VCV004848517.1).